The following is an entry in ClinVar:

NM_000088.4(COL1A1):c.3963G>C (p.Lys1321Asn)

Gene: COL1A1 (collagen type I alpha 1 chain; minus strand). Cytogenetic location: 17q21.33.
Variant type: single nucleotide variant.
Coding change: c.3963G>C on transcript NM_000088.4 (MANE Select); coding-DNA position 3963, G replaced by C.
Protein change: p.Lys1321Asn; replaces lysine 1321 with asparagine.
Molecular consequence: missense variant.
Genome position (GRCh38, 1-based): chr17:50,186,359, C>G on the plus strand (G>C on the coding strand, the complement: COL1A1 is on the minus strand). VCF-style: chr17-50186359-C-G. GRCh37 (hg19) VCF-style: chr17-48263720-C-G.
Other names: short protein forms K1321N.
Identifiers: ClinVar variation 425140 (VCV000425140.52), dbSNP rs764729498, ClinGen allele CA8644312.

ClinVar aggregate classification (germline): Uncertain significance. Review status: criteria provided, multiple submitters, no conflicts (2 of 4 stars). 2 submissions from 2 submitters: Uncertain significance (2). Last evaluated 2019-04-25.

Conditions:
Osteogenesis imperfecta type I (OI1). Also called: Osteogenesis imperfecta type 1; Classic Non-deforming Osteogenesis Imperfecta with Blue Sclerae; OI, TYPE I; OSTEOGENESIS IMPERFECTA TARDA; OSTEOGENESIS IMPERFECTA WITH BLUE SCLERAE; Lobstein's Disease. Identifiers: Orphanet 216796, Orphanet 666, MedGen C0023931, MONDO:0008146, OMIM 166200. Disease mechanism: loss of function.

Allele frequency attached by ClinVar (database versions not stated): gnomAD exomes below 0.00001; ExAC 0.00001.
gnomAD v4.1: 3 of 1,614,258 alleles (0.00019%); highest among the groups gnomAD compares: Non-Finnish European, 0.00025%; no homozygotes.

Submissions (2):

Labcorp Genetics (formerly Invitae), Labcorp
Classification: Uncertain significance for Osteogenesis imperfecta type I. Last evaluated: 2019-04-25. Review status: criteria provided, single submitter. Criteria: Invitae Variant Classification Sherloc (09022015). Collection method: clinical testing. Allele origin: germline.
Comment: This sequence change replaces lysine with asparagine at codon 1321 of the COL1A1 protein (p.Lys1321Asn). The lysine residue is highly conserved and there is a moderate physicochemical difference between lysine and asparagine. This variant is present in population databases (rs764729498, ExAC 0.001%). This variant has not been reported in the literature in individuals with COL1A1-related conditions. ClinVar contains an entry for this variant (Variation ID: 425140). In summary, the available evidence is currently insufficient to determine the role of this variant in disease. Therefore, it has been classified as a Variant of Uncertain Significance.

CeGaT Center for Human Genetics Tuebingen
Classification: Uncertain significance. Last evaluated: 2016-10-01. Review status: criteria provided, single submitter. Criteria: CeGaT Center For Human Genetics Tuebingen Variant Classification Criteria Version 2. Collection method: clinical testing. Allele origin: germline. Affected: yes. Observed: 1 variant allele.